The following is an entry in ClinVar:

NM_024649.5(BBS1):c.41C>T (p.Ala14Val)

Gene: BBS1 (Bardet-Biedl syndrome 1; plus strand). Cytogenetic location: 11q13.2.
Variant type: single nucleotide variant.
Coding change: c.41C>T on transcript NM_024649.5 (MANE Select); coding-DNA position 41, C replaced by T.
Protein change: p.Ala14Val; replaces alanine 14 with valine.
Molecular consequence: missense variant.
Genome position (GRCh38, 1-based): chr11:66,510,700, C>T. VCF-style: chr11-66510700-C-T. GRCh37 (hg19) VCF-style: chr11-66278171-C-T.
Other names: short protein forms A14V.
Identifiers: ClinVar variation 2998575 (VCV002998575.2), dbSNP rs774110999, ClinGen allele CA381453348.

ClinVar aggregate classification (germline): Uncertain significance (1 of 4 stars; one submission).

Conditions:
Bardet-Biedl syndrome (BBS). Identifiers: Orphanet 110, MedGen C0752166, MONDO:0015229.

Allele frequency attached by ClinVar (database versions not stated): TOPMed below 0.00001.

Submission:

Labcorp Genetics (formerly Invitae), Labcorp
Classification: Uncertain significance for Bardet-Biedl syndrome. Last evaluated: 2023-06-21. Review status: criteria provided, single submitter. Criteria: Invitae Variant Classification Sherloc (09022015). Collection method: clinical testing. Allele origin: germline.
Comment: In summary, the available evidence is currently insufficient to determine the role of this variant in disease. Therefore, it has been classified as a Variant of Uncertain Significance. Algorithms developed to predict the effect of missense changes on protein structure and function output the following: SIFT: "Not Available"; PolyPhen-2: "Benign"; Align-GVGD: "Not Available". The valine amino acid residue is found in multiple mammalian species, which suggests that this missense change does not adversely affect protein function. This sequence change replaces alanine, which is neutral and non-polar, with valine, which is neutral and non-polar, at codon 14 of the BBS1 protein (p.Ala14Val). This variant is not present in population databases (gnomAD no frequency). This variant has not been reported in the literature in individuals affected with BBS1-related conditions.